The following is an entry in ClinVar:

ClinVar aggregate classification (germline): Uncertain significance (1 of 4 stars; one submission).

Submission:

GeneDx
Classification: Uncertain significance. Last evaluated: 2022-10-05. Review status: criteria provided, single submitter. Criteria: GeneDx Variant Classification Process June 2021. Collection method: clinical testing. Allele origin: germline. Affected: yes.
Comment: Not observed at significant frequency in large population cohorts (gnomAD); In silico analysis supports that this missense variant has a deleterious effect on protein structure/function; Missense variants in this gene are often considered pathogenic (HGMD); This substitution is predicted to be within the cytoplasmic loop between the first and second homologous domains; Has not been previously published as pathogenic or benign to our knowledge

NM_001040142.2(SCN2A):c.1779T>G (p.Phe593Leu)

Gene: SCN2A (sodium voltage-gated channel alpha subunit 2; plus strand). Cytogenetic location: 2q24.3.
Variant type: single nucleotide variant.
Coding change: c.1779T>G on transcript NM_001040142.2 (MANE Select); coding-DNA position 1779, T replaced by G.
Protein change: p.Phe593Leu; replaces phenylalanine 593 with leucine.
Molecular consequence: missense variant.
Genome position (GRCh38, 1-based): chr2:165,323,263, T>G. VCF-style: chr2-165323263-T-G. GRCh37 (hg19) VCF-style: chr2-166179773-T-G.
Other names: c.1779T>G, p.Phe593Leu (NM_001040143.2, NM_001371246.1, NM_001371247.1 and 1 more transcripts); short protein forms F593L.
Identifiers: ClinVar variation 2497758 (VCV002497758.1), dbSNP rs2467933643, ClinGen allele CA349026705.